The following is an entry in ClinVar:

ClinVar aggregate classification (germline): Uncertain significance. Review status: criteria provided, multiple submitters, no conflicts (2 of 4 stars). 2 submissions from 2 submitters: Uncertain significance (2). Last evaluated 2024-01-01.

Conditions:
Arrhythmogenic right ventricular dysplasia 12. Also called: ARRHYTHMOGENIC RIGHT VENTRICULAR DYSPLASIA, FAMILIAL, 12. Identifiers: MedGen C1969081, MONDO:0012684, OMIM 611528.
Naxos disease (NXD). Also called: MAL DE NAXOS; PALMOPLANTAR KERATODERMA WITH ARRHYTHMOGENIC RIGHT VENTRICULAR CARDIOMYOPATHY AND WOOLLY HAIR; WOOLLY HAIR, PALMOPLANTAR KERATODERMA, AND CARDIAC ABNORMALITIES; KERATOSIS PALMOPLANTARIS WITH ARRHYTHMOGENIC CARDIOMYOPATHY; CARDIOMYOPATHY, ARRHYTHMOGENIC RIGHT VENTRICULAR, WITH SKIN, HAIR, AND NAIL ABNORMALITIES. Identifiers: Orphanet 34217, MedGen C1832600, MONDO:0011017, OMIM 601214.

Allele frequency attached by ClinVar (database versions not stated): gnomAD exomes 0.00001.

Submissions (2):

CeGaT Center for Human Genetics Tuebingen
Classification: Uncertain significance. Last evaluated: 2024-01-01. Review status: criteria provided, single submitter. Criteria: CeGaT Center For Human Genetics Tuebingen Variant Classification Criteria Version 2. Collection method: clinical testing. Allele origin: germline. Affected: yes. Observed: 1 variant allele.
Comment: JUP: PM2

Labcorp Genetics (formerly Invitae), Labcorp
Classification: Uncertain significance for Arrhythmogenic right ventricular dysplasia 12; Naxos disease. Last evaluated: 2022-07-26. Review status: criteria provided, single submitter. Criteria: Invitae Variant Classification Sherloc (09022015). Collection method: clinical testing. Allele origin: germline.
Comment: In summary, the available evidence is currently insufficient to determine the role of this variant in disease. Therefore, it has been classified as a Variant of Uncertain Significance. Algorithms developed to predict the effect of missense changes on protein structure and function (SIFT, PolyPhen-2, Align-GVGD) all suggest that this variant is likely to be tolerated. This variant has not been reported in the literature in individuals affected with JUP-related conditions. This variant is not present in population databases (gnomAD no frequency). This sequence change replaces glycine, which is neutral and non-polar, with aspartic acid, which is acidic and polar, at codon 41 of the JUP protein (p.Gly41Asp).

NM_002230.4(JUP):c.122G>A (p.Gly41Asp)

Gene: JUP (junction plakoglobin; minus strand). Cytogenetic location: 17q21.2.
Variant type: single nucleotide variant.
Coding change: c.122G>A on transcript NM_002230.4 (MANE Select); coding-DNA position 122, G replaced by A.
Protein change: p.Gly41Asp; replaces glycine 41 with aspartic acid.
Molecular consequence: missense variant.
Genome position (GRCh38, 1-based): chr17:41,771,733, C>T on the plus strand (G>A on the coding strand, the complement: JUP is on the minus strand). VCF-style: chr17-41771733-C-T. GRCh37 (hg19) VCF-style: chr17-39927985-C-T.
Other names: c.122G>A, p.Gly41Asp (NM_001352773.2, NM_001352774.2, NM_001352775.2 and 3 more transcripts); short protein forms G41D.
Identifiers: ClinVar variation 2171105 (VCV002171105.26), dbSNP rs2143735580, ClinGen allele CA399506911.